The following is an entry in ClinVar:

ClinVar aggregate classification (germline): Uncertain significance (1 of 4 stars; one submission).

Allele frequency attached by ClinVar (database versions not stated): ExAC 0.00001; TOPMed 0.00001; gnomAD 0.00003.
gnomAD v4.1: 18 of 1,612,948 alleles (0.0011%); highest among the groups gnomAD compares: Admixed American, 0.0017%; no homozygotes.

Submission:

Labcorp Genetics (formerly Invitae), Labcorp
Classification: Uncertain significance. Last evaluated: 2025-10-22. Review status: criteria provided, single submitter. Criteria: Invitae Variant Classification Sherloc (09022015). Collection method: clinical testing. Allele origin: germline.
Comment: This sequence change replaces arginine, which is basic and polar, with serine, which is neutral and polar, at codon 380 of the NAXD protein (p.Arg380Ser). The frequency data for this variant in the population databases is considered unreliable, as metrics indicate poor data quality at this position in the gnomAD database. This variant has not been reported in the literature in individuals affected with NAXD-related conditions. ClinVar contains an entry for this variant (Variation ID: 1414463). Invitae Evidence Modeling of protein sequence and biophysical properties (such as structural, functional, and spatial information, amino acid conservation, physicochemical variation, residue mobility, and thermodynamic stability) has been performed for this missense variant. However, the output from this modeling did not meet the statistical confidence thresholds required to predict the impact of this variant on NAXD protein function. In summary, the available evidence is currently insufficient to determine the role of this variant in disease. Therefore, it has been classified as a Variant of Uncertain Significance.

NM_001242882.2(NAXD):c.948C>A (p.Ile316=)

Gene: NAXD (NAD(P)HX dehydratase; plus strand). Cytogenetic location: 13q34.
Variant type: single nucleotide variant.
Coding change: c.948C>A on transcript NM_001242882.2 (MANE Select); coding-DNA position 948, C replaced by A.
Protein change: p.Ile316=; no amino-acid change (isoleucine 316 retained).
Molecular consequence: synonymous variant. On other transcripts: missense variant (1), non-coding transcript variant (2).
Genome position (GRCh38, 1-based): chr13:110,638,486, C>A. VCF-style: chr13-110638486-C-A. GRCh37 (hg19) VCF-style: chr13-111290833-C-A.
Other names: c.1002C>A, p.Ile334= (NM_001242881.2); c.672C>A, p.Ile224= (NM_001242883.2); c.1138C>A, p.Arg380Ser (NM_018210.4); short protein forms R380S.
Identifiers: ClinVar variation 1414463 (VCV001414463.6), dbSNP rs762477686, ClinGen allele CA7051463.